The following is an entry in ClinVar:

NM_001386795.1(DTNA):c.232G>A (p.Val78Met)

Gene: DTNA (dystrobrevin alpha; plus strand). Cytogenetic location: 18q12.1.
Variant type: single nucleotide variant.
Coding change: c.232G>A on transcript NM_001386795.1 (MANE Select); coding-DNA position 232, G replaced by A.
Protein change: p.Val78Met; replaces valine 78 with methionine.
Molecular consequence: missense variant.
Genome position (GRCh38, 1-based): chr18:34,794,120, G>A. VCF-style: chr18-34794120-G-A. GRCh37 (hg19) VCF-style: chr18-32374084-G-A.
Other names: c.232G>A, p.Val78Met (NM_001128175.2, NM_001198938.2, NM_001198939.2 and 35 more transcripts); short protein forms V78M.
Identifiers: ClinVar variation 1035846 (VCV001035846.8), dbSNP rs1175132407, ClinGen allele CA402274934.

ClinVar aggregate classification (germline): Uncertain significance (1 of 4 stars; one submission).

Conditions:
Left ventricular noncompaction 1 (LVNC1). Also called: LEFT VENTRICULAR NONCOMPACTION 1 WITH OR WITHOUT CONGENITAL HEART DEFECTS. Identifiers: Orphanet 54260, MedGen C1858725, MONDO:0011403, OMIM 604169.

Allele frequency attached by ClinVar (database versions not stated): gnomAD exomes below 0.00001; gnomAD 0.00001; TOPMed 0.00001.
gnomAD v4.1: 11 of 1,614,136 alleles (0.00068%); highest among the groups gnomAD compares: South Asian, 0.0033%; no homozygotes.

Submission:

Labcorp Genetics (formerly Invitae), Labcorp
Classification: Uncertain significance for Left ventricular noncompaction 1. Last evaluated: 2024-06-30. Review status: criteria provided, single submitter. Criteria: Invitae Variant Classification Sherloc (09022015). Collection method: clinical testing. Allele origin: germline.
Comment: This sequence change replaces valine, which is neutral and non-polar, with methionine, which is neutral and non-polar, at codon 78 of the DTNA protein (p.Val78Met). This variant is present in population databases (no rsID available, gnomAD 0.003%). This variant has not been reported in the literature in individuals affected with DTNA-related conditions. ClinVar contains an entry for this variant (Variation ID: 1035846). Advanced modeling of protein sequence and biophysical properties (such as structural, functional, and spatial information, amino acid conservation, physicochemical variation, residue mobility, and thermodynamic stability) performed at Invitae indicates that this missense variant is not expected to disrupt DTNA protein function with a negative predictive value of 80%. In summary, the available evidence is currently insufficient to determine the role of this variant in disease. Therefore, it has been classified as a Variant of Uncertain Significance.